The following is an entry in ClinVar:

NM_000414.4(HSD17B4):c.1993+2T>A

Gene: HSD17B4 (hydroxysteroid 17-beta dehydrogenase 4; plus strand). Cytogenetic location: 5q23.1.
Variant type: single nucleotide variant.
Coding change: c.1993+2T>A on transcript NM_000414.4 (MANE Select); the canonical splice donor site of the intron after coding-DNA position 1993, T replaced by A.
Molecular consequence: splice donor variant.
Genome position (GRCh38, 1-based): chr5:119,531,406, T>A. VCF-style: chr5-119531406-T-A. GRCh37 (hg19) VCF-style: chr5-118867101-T-A.
Other names: c.1582+2T>A (NM_001374503.1, NM_001374502.1, NM_001374501.1); c.2068+2T>A (NM_001199291.3); c.1666+2T>A (NM_001374499.1); c.1552+2T>A (NM_001374500.1); c.1573+2T>A (NM_001292028.2); c.1921+2T>A (NM_001292027.2, NM_001374498.1); c.1984+2T>A (NM_001374497.1); c.1939+2T>A (NM_001199292.2).
Identifiers: ClinVar variation 4818348 (VCV004818348.1).

ClinVar aggregate classification (germline): Likely pathogenic (1 of 4 stars; one submission).

Conditions:
Bifunctional peroxisomal enzyme deficiency (DBIF). Also called: DBP DEFICIENCY; PBFE DEFICIENCY; D-bifunctional protein deficiency. Identifiers: Orphanet 300, MedGen C0342870, MONDO:0009855, OMIM 261515. Disease mechanism: loss of function.

Submission:

Natera, Inc.
Classification: Likely pathogenic for Bifunctional peroxisomal enzyme deficiency. Last evaluated: 2025-09-25. Review status: criteria provided, single submitter. Criteria: Natera Variant Classification Schema (03/2026). Collection method: clinical testing. Allele origin: germline.
Comment: The c.1993+2T>A variant in HSD17B4 is a canonical splice donor site variant predicted to affect pre-mRNA splicing, which may result in an abnormal transcript and altered protein product. This variant is expected to result in nonsense mediated decay, truncation, or a dysfunctional protein product. This variant is rare in the general population with a frequency below the threshold expected for the associated phenotype(s). Given the available evidence, this variant is classified as Likely Pathogenic.